The following is an entry in ClinVar:

ClinVar aggregate classification (germline): Uncertain significance. Review status: criteria provided, multiple submitters, no conflicts (2 of 4 stars). 2 submissions from 2 submitters: Uncertain significance (2). Last evaluated 2025-02-05.

Conditions:
Inborn genetic diseases. Identifiers: MedGen C0950123, MeSH D030342.
Acute myeloid leukemia (AML). Also called: Leukemia, acute myeloid, somatic; Leukemia, acute myelogenous, somatic; Acute myeloid leukemia, adult; AML adult; Acute non-lymphocytic leukemia; Acute granulocytic leukemia. Identifiers: Orphanet 519, MedGen C0023467, MeSH D015470, MONDO:0018874, OMIM 601626, HP:0004808. Disease mechanism: Constitutively activated FLT3.

Submissions (2):

Ambry Genetics
Classification: Uncertain significance for Inborn genetic diseases. Last evaluated: 2025-02-05. Review status: criteria provided, single submitter. Criteria: Ambry Variant Classification Scheme 2023. Collection method: clinical testing. Allele origin: germline.
Comment: The p.A25V variant (also known as c.74C>T), located in coding exon 1 of the CEBPA gene, results from a C to T substitution at nucleotide position 74. The alanine at codon 25 is replaced by valine, an amino acid with similar properties. This amino acid position is conserved. In addition, this alteration is predicted to be tolerated by in silico analysis. Based on the available evidence, the clinical significance of this variant remains unclear.

Labcorp Genetics (formerly Invitae), Labcorp
Classification: Uncertain significance for Acute myeloid leukemia. Last evaluated: 2021-04-09. Review status: criteria provided, single submitter. Criteria: Invitae Variant Classification Sherloc (09022015). Collection method: clinical testing. Allele origin: germline.
Comment: Algorithms developed to predict the effect of missense changes on protein structure and function (SIFT, PolyPhen-2, Align-GVGD) all suggest that this variant is likely to be tolerated, but these predictions have not been confirmed by published functional studies and their clinical significance is uncertain. In summary, the available evidence is currently insufficient to determine the role of this variant in disease. Therefore, it has been classified as a Variant of Uncertain Significance. This variant has not been reported in the literature in individuals with CEBPA-related conditions. The frequency data for this variant in the population databases is considered unreliable, as metrics indicate insufficient coverage at this position in the ExAC database. This sequence change replaces alanine with valine at codon 25 of the CEBPA protein (p.Ala25Val). The alanine residue is weakly conserved and there is a small physicochemical difference between alanine and valine.

NM_004364.5(CEBPA):c.74C>T (p.Ala25Val)

Gene: CEBPA (CCAAT enhancer binding protein alpha; minus strand). Cytogenetic location: 19q13.11.
Variant type: single nucleotide variant.
Coding change: c.74C>T on transcript NM_004364.5 (MANE Select); coding-DNA position 74, C replaced by T.
Protein change: p.Ala25Val; replaces alanine 25 with valine.
Molecular consequence: missense variant. On other transcripts: 5 prime UTR variant (1).
Genome position (GRCh38, 1-based): chr19:33,302,341, G>A on the plus strand (C>T on the coding strand, the complement: CEBPA is on the minus strand). VCF-style: chr19-33302341-G-A. GRCh37 (hg19) VCF-style: chr19-33793247-G-A.
Other names: c.-284C>T (NM_001285829.2); c.179C>T, p.Ala60Val (NM_001287424.2); c.32C>T, p.Ala11Val (NM_001287435.2); c.74C>T (NM_004364.3); short protein forms A25V, A11V, A60V.
Identifiers: ClinVar variation 1386846 (VCV001386846.9), dbSNP rs2145264688, ClinGen allele CA405275729.